The following is an entry in ClinVar:

ClinVar aggregate classification (germline): Uncertain significance (1 of 4 stars; one submission).

Allele frequency attached by ClinVar (database versions not stated): ExAC 0.00001; gnomAD exomes 0.00001.
gnomAD v4.1: 20 of 1,613,950 alleles (0.0012%); highest among the groups gnomAD compares: East Asian, 0.0022%; no homozygotes.

Submission:

GeneDx
Classification: Uncertain significance. Last evaluated: 2023-02-06. Review status: criteria provided, single submitter. Criteria: GeneDx Variant Classification Process June 2021. Collection method: clinical testing. Allele origin: germline. Affected: yes.
Comment: Not observed at significant frequency in large population cohorts (gnomAD); In silico analysis supports that this missense variant does not alter protein structure/function; Has not been previously published as pathogenic or benign to our knowledge

NM_004667.6(HERC2):c.1175C>T (p.Thr392Met)

Gene: HERC2 (HECT and RLD domain containing E3 ubiquitin protein ligase 2; minus strand). Cytogenetic location: 15q13.1.
Variant type: single nucleotide variant.
Coding change: c.1175C>T on transcript NM_004667.6 (MANE Select); coding-DNA position 1175, C replaced by T.
Protein change: p.Thr392Met; replaces threonine 392 with methionine.
Molecular consequence: missense variant.
Genome position (GRCh38, 1-based): chr15:28,270,777, G>A on the plus strand (C>T on the coding strand, the complement: HERC2 is on the minus strand). VCF-style: chr15-28270777-G-A. GRCh37 (hg19) VCF-style: chr15-28515923-G-A.
Other names: short protein forms T392M.
Identifiers: ClinVar variation 2574734 (VCV002574734.1), dbSNP rs780970472, ClinGen allele CA7443542.